The following is an entry in ClinVar:

ClinVar aggregate classification (germline): Uncertain significance. Review status: criteria provided, multiple submitters, no conflicts (2 of 4 stars). 3 submissions from 3 submitters: Uncertain significance (3). Last evaluated 2025-06-02.

Conditions:
Mitochondrial complex I deficiency, nuclear type 5. Also called: Mitochondrial complex 1 deficiency, nuclear type 5. Identifiers: MedGen C4748754, MONDO:0032610, OMIM 618226.
Inborn genetic diseases. Identifiers: MedGen C0950123, MeSH D030342.

Allele frequency attached by ClinVar (database versions not stated): gnomAD exomes 0.00001; ExAC 0.00001; TOPMed 0.00001.
gnomAD v4.1: 3 of 1,614,170 alleles (0.00019%); highest among the groups gnomAD compares: Admixed American, 0.005%; no homozygotes.

Submissions (3):

Labcorp Genetics (formerly Invitae), Labcorp
Classification: Uncertain significance. Last evaluated: 2025-06-02. Review status: criteria provided, single submitter. Criteria: Invitae Variant Classification Sherloc (09022015). Collection method: clinical testing. Allele origin: germline.
Comment: This sequence change replaces tyrosine, which is neutral and polar, with cysteine, which is neutral and slightly polar, at codon 596 of the NDUFS1 protein (p.Tyr596Cys). This variant is present in population databases (rs747439898, gnomAD 0.009%). This variant has not been reported in the literature in individuals affected with NDUFS1-related conditions. ClinVar contains an entry for this variant (Variation ID: 1959566). Invitae Evidence Modeling of protein sequence and biophysical properties (such as structural, functional, and spatial information, amino acid conservation, physicochemical variation, residue mobility, and thermodynamic stability) indicates that this missense variant is expected to disrupt NDUFS1 protein function with a positive predictive value of 95%. In summary, the available evidence is currently insufficient to determine the role of this variant in disease. Therefore, it has been classified as a Variant of Uncertain Significance.

3billion
Classification: Uncertain significance for Mitochondrial complex I deficiency, nuclear type 5. Last evaluated: 2025-05-21. Review status: criteria provided, single submitter. Criteria: ACMG Guidelines, 2015. Collection method: clinical testing. Allele origin: germline. Affected: yes.
Comment: The variant is observed at an extremely low frequency in the gnomAD v4.1.0 dataset (total allele frequency: <0.001%). Predicted Consequence/Location: Missense variant In silico tool predictions suggest damaging effect of the variant on gene or gene product [REVEL: 0.94 (>=0.6, sensitivity 0.68 and specificity 0.92); 3Cnet: 0.90 (> 0.75, sensitivity 0.96 and precision 0.92)]. The variant has been reported as of uncertain significance (ClinVar ID: VCV001959566). Therefore, this variant is classified as VUS according to the recommendation of ACMG/AMP guideline.

Ambry Genetics
Classification: Uncertain significance for Inborn genetic diseases. Last evaluated: 2022-12-28. Review status: criteria provided, single submitter. Criteria: Ambry Variant Classification Scheme 2023. Collection method: clinical testing. Allele origin: germline.

NM_005006.7(NDUFS1):c.1787A>G (p.Tyr596Cys)

Gene: NDUFS1 (NADH:ubiquinone oxidoreductase core subunit S1; minus strand). Cytogenetic location: 2q33.3.
Variant type: single nucleotide variant.
Coding change: c.1787A>G on transcript NM_005006.7 (MANE Select); coding-DNA position 1787, A replaced by G.
Protein change: p.Tyr596Cys; replaces tyrosine 596 with cysteine.
Molecular consequence: missense variant.
Genome position (GRCh38, 1-based): chr2:206,127,894, T>C on the plus strand (A>G on the coding strand, the complement: NDUFS1 is on the minus strand). VCF-style: chr2-206127894-T-C. GRCh37 (hg19) VCF-style: chr2-206992618-T-C.
Other names: c.1679A>G, p.Tyr560Cys (NM_001199981.2); c.1454A>G, p.Tyr485Cys (NM_001199982.2); c.1616A>G, p.Tyr539Cys (NM_001199983.2); c.1829A>G, p.Tyr610Cys (NM_001199984.2); short protein forms Y485C, Y539C, Y596C, Y560C, Y610C.
Identifiers: ClinVar variation 1959566 (VCV001959566.7), dbSNP rs747439898, ClinGen allele CA2070349.